The following is an entry in ClinVar:

NM_001369.3(DNAH5):c.5648G>A (p.Arg1883Gln)

Gene: DNAH5 (dynein axonemal heavy chain 5; minus strand). Cytogenetic location: 5p15.2.
Variant type: single nucleotide variant.
Coding change: c.5648G>A on transcript NM_001369.3 (MANE Select); coding-DNA position 5648, G replaced by A.
Protein change: p.Arg1883Gln; replaces arginine 1883 with glutamine.
Molecular consequence: missense variant.
Genome position (GRCh38, 1-based): chr5:13,840,967, C>T on the plus strand (G>A on the coding strand, the complement: DNAH5 is on the minus strand). VCF-style: chr5-13840967-C-T. GRCh37 (hg19) VCF-style: chr5-13841076-C-T.
Other names: short protein forms R1883Q.
Identifiers: ClinVar variation 1402786 (VCV001402786.17), dbSNP rs747514968, ClinGen allele CA3203618.

ClinVar aggregate classification (germline): Conflicting classifications of pathogenicity. Review status: criteria provided, conflicting classifications (1 of 4 stars). 3 submissions from 3 submitters: Uncertain significance (2); Likely benign (1). Last evaluated 2025-12-31.

Conditions:
Primary ciliary dyskinesia. Also called: Ciliary dyskinesia. Identifiers: Orphanet 244, MedGen C0008780, MONDO:0016575, HP:0012265.
Primary ciliary dyskinesia 3. Identifiers: Orphanet 244, MedGen C1837618, MONDO:0012085, OMIM 608644.

Allele frequency attached by ClinVar (database versions not stated): ExAC 0.00002; gnomAD 0.00002; gnomAD exomes 0.00002.
gnomAD v4.1: 13 of 1,614,018 alleles (0.00081%); highest among the groups gnomAD compares: South Asian, 0.0044%; no homozygotes.

Submissions (3):

Myriad Genetics, Inc.
Classification: Uncertain significance for Primary ciliary dyskinesia 3. Last evaluated: 2025-12-31. Review status: criteria provided, single submitter. Criteria: Myriad Autosomal Dominant, Autosomal Recessive and X-Linked Classification Criteria (2023). Collection method: clinical testing. Allele origin: unknown.
Comment: NM_001369.2(DNAH5):c.5648G>A(R1883Q) is a missense variant classified as a variant of uncertain significance in the context of primary ciliary dyskinesia, DNAH5-related. R1883Q has not been observed in cases with relevant disease. Relevant functional assessments of this variant are not available in the literature. R1883Q has been observed in referenced population frequency databases. In summary, there is insufficient evidence to classify NM_001369.2(DNAH5):c.5648G>A(R1883Q) as pathogenic or benign. Please note: this variant was assessed in the context of healthy population screening.

Labcorp Genetics (formerly Invitae), Labcorp
Classification: Likely benign for Primary ciliary dyskinesia. Last evaluated: 2025-09-22. Review status: criteria provided, single submitter. Criteria: Invitae Variant Classification Sherloc (09022015). Collection method: clinical testing. Allele origin: germline.

Blueprint Genetics
Classification: Uncertain significance. Last evaluated: 2022-06-03. Review status: criteria provided, single submitter. Criteria: ACMG Guidelines, 2015. Collection method: clinical testing. Allele origin: germline.